The following is an entry in ClinVar:

ClinVar aggregate classification (germline): Uncertain significance. Review status: criteria provided, multiple submitters, no conflicts (2 of 4 stars). 3 submissions from 3 submitters: Uncertain significance (3). Last evaluated 2025-02-27.

Conditions:
Hypertrophic cardiomyopathy 26. Also called: Cardiomyopathy, familial hypertrophic, 26. Identifiers: Orphanet 75249, MedGen C4310749, MONDO:0014883, OMIM 617047.
Myofibrillar myopathy 5. Also called: Filaminopathy (type); FILAMINOPATHY, AUTOSOMAL DOMINANT. Identifiers: Orphanet 171445, MedGen C1836050, MONDO:0012289, OMIM 609524.
Distal myopathy with posterior leg and anterior hand involvement. Also called: WILLIAMS DISTAL MYOPATHY. Identifiers: Orphanet 63273, MedGen C3279722, MONDO:0013550, OMIM 614065.
Cardiovascular phenotype. Identifiers: MedGen CN230736.

Allele frequency attached by ClinVar (database versions not stated): gnomAD 0.00001.
gnomAD v4.1: 5 of 1,613,934 alleles (0.00031%); highest among the groups gnomAD compares: Admixed American, 0.0033%; no homozygotes.

Submissions (3):

Labcorp Genetics (formerly Invitae), Labcorp
Classification: Uncertain significance for Distal myopathy with posterior leg and anterior hand involvement; Myofibrillar myopathy 5; Hypertrophic cardiomyopathy 26. Last evaluated: 2025-02-27. Review status: criteria provided, single submitter. Criteria: Invitae Variant Classification Sherloc (09022015). Collection method: clinical testing. Allele origin: germline.
Comment: This sequence change replaces serine, which is neutral and polar, with asparagine, which is neutral and polar, at codon 967 of the FLNC protein (p.Ser967Asn). This variant is present in population databases (no rsID available, gnomAD 0.006%). This variant has not been reported in the literature in individuals affected with FLNC-related conditions. ClinVar contains an entry for this variant (Variation ID: 1797450). Invitae Evidence Modeling of protein sequence and biophysical properties (such as structural, functional, and spatial information, amino acid conservation, physicochemical variation, residue mobility, and thermodynamic stability) has been performed for this missense variant. However, the output from this modeling did not meet the statistical confidence thresholds required to predict the impact of this variant on FLNC protein function. In summary, the available evidence is currently insufficient to determine the role of this variant in disease. Therefore, it has been classified as a Variant of Uncertain Significance.

GeneDx
Classification: Uncertain significance. Last evaluated: 2024-01-05. Review status: criteria provided, single submitter. Criteria: GeneDx Variant Classification Process June 2021. Collection method: clinical testing. Allele origin: germline. Affected: yes.
Comment: Not observed at significant frequency in large population cohorts (gnomAD); In silico analysis supports that this missense variant does not alter protein structure/function; Has not been previously published as pathogenic or benign to our knowledge

Ambry Genetics
Classification: Uncertain significance for Cardiovascular phenotype. Last evaluated: 2021-08-26. Review status: criteria provided, single submitter. Criteria: Ambry Variant Classification Scheme 2023. Collection method: clinical testing. Allele origin: germline.
Comment: The p.S967N variant (also known as c.2900G>A), located in coding exon 19 of the FLNC gene, results from a G to A substitution at nucleotide position 2900. The serine at codon 967 is replaced by asparagine, an amino acid with highly similar properties. This amino acid position is conserved. In addition, this alteration is predicted to be tolerated by in silico analysis. Since supporting evidence is limited at this time, the clinical significance of this alteration remains unclear.

NM_001458.5(FLNC):c.2900G>A (p.Ser967Asn)

Gene: FLNC (filamin C; plus strand). Cytogenetic location: 7q32.1.
Variant type: single nucleotide variant.
Coding change: c.2900G>A on transcript NM_001458.5 (MANE Select); coding-DNA position 2900, G replaced by A.
Protein change: p.Ser967Asn; replaces serine 967 with asparagine.
Molecular consequence: missense variant.
Genome position (GRCh38, 1-based): chr7:128,843,884, G>A. VCF-style: chr7-128843884-G-A. GRCh37 (hg19) VCF-style: chr7-128483938-G-A.
Other names: c.2900G>A, p.Ser967Asn (NM_001127487.2); short protein forms S967N.
Identifiers: ClinVar variation 1797450 (VCV001797450.8), dbSNP rs1249096991, ClinGen allele CA369193520.